The following is an entry in ClinVar:

NM_007294.4(BRCA1):c.1360A>G (p.Ser454Gly)

Gene: BRCA1 (BRCA1 DNA repair associated; minus strand). Cytogenetic location: 17q21.31.
Variant type: single nucleotide variant.
Coding change: c.1360A>G on transcript NM_007294.4 (MANE Select); coding-DNA position 1360, A replaced by G.
Protein change: p.Ser454Gly; replaces serine 454 with glycine.
Molecular consequence: missense variant. On other transcripts: intron variant (137).
Genome position (GRCh38, 1-based): chr17:43,094,171, T>C on the plus strand (A>G on the coding strand, the complement: BRCA1 is on the minus strand). VCF-style: chr17-43094171-T-C. GRCh37 (hg19) VCF-style: chr17-41246188-T-C.
Other names: c.1219A>G, p.Ser407Gly (NM_001407735.1, NM_001407737.1, NM_001407736.1 and 29 more transcripts); c.1150A>G, p.Ser384Gly (NM_001407904.1, NM_001407906.1, NM_001407907.1 and 13 more transcripts); c.1147A>G, p.Ser383Gly (NM_001407915.1, NM_001407916.1, NM_001407917.1 and 9 more transcripts); c.1237A>G, p.Ser413Gly (NM_001407919.1, NM_001407937.1, NM_001407938.1 and 19 more transcripts); c.1216A>G, p.Ser406Gly (NM_001407740.1, NM_001407741.1, NM_001407742.1 and 20 more transcripts); c.1096A>G, p.Ser366Gly (NM_001407920.1, NM_001407921.1, NM_001407922.1 and 9 more transcripts); c.1234A>G, p.Ser412Gly (NM_001407940.1, NM_001407941.1, NM_001407649.1 and 11 more transcripts); c.1093A>G, p.Ser365Gly (NM_001407936.1, NM_001407930.1, NM_001407931.1 and 2 more transcripts); and 40 more; short protein forms S286G, S342G, S387G, S412G, S451G, S454G, S158G, S326G.
Identifiers: ClinVar variation 3634691 (VCV003634691.2).
Genomic context (GRCh38, chr17:43,094,171, plus strand): 5'-AGTTGGGGAGGCTTGCCTTCTTCCGATAGGTTTTCCCAAATATTTTGTCTTCAATATTAC[T>C]CTCTACTGATTTGGAGTGAACTCTTTCACTTTTACATATTAAAGCCTCATGAGGATCACT-3'
Protein context (NP_009225.1, residues 444-464): SERVHSKSVE[Ser454Gly]NIEDKIFGKT

ClinVar aggregate classification (germline): Uncertain significance (1 of 4 stars; one submission).

Conditions:
Hereditary breast ovarian cancer syndrome. Also called: Hereditary breast and ovarian cancer syndrome; Hereditary breast and ovarian cancer syndrome (HBOC); BRCA1- and BRCA2-Associated Hereditary Breast and Ovarian Cancer; Hereditary breast and ovarian cancer; Breast and ovarian cancer; Hereditary breast and/or ovarian cancer syndrome. Identifiers: Orphanet 145, MedGen C0677776, MeSH D061325, MONDO:0003582. Disease mechanism: loss of function.

Submission:

Labcorp Genetics (formerly Invitae), Labcorp
Classification: Uncertain significance for Hereditary breast ovarian cancer syndrome. Last evaluated: 2024-03-04. Review status: criteria provided, single submitter. Criteria: Invitae Variant Classification Sherloc (09022015). Collection method: clinical testing. Allele origin: germline.
Comment: This sequence change replaces serine, which is neutral and polar, with glycine, which is neutral and non-polar, at codon 454 of the BRCA1 protein (p.Ser454Gly). This variant is not present in population databases (gnomAD no frequency). This variant has not been reported in the literature in individuals affected with BRCA1-related conditions. Advanced modeling of protein sequence and biophysical properties (such as structural, functional, and spatial information, amino acid conservation, physicochemical variation, residue mobility, and thermodynamic stability) performed at Invitae indicates that this missense variant is not expected to disrupt BRCA1 protein function with a negative predictive value of 95%. In summary, the available evidence is currently insufficient to determine the role of this variant in disease. Therefore, it has been classified as a Variant of Uncertain Significance.